The following is an entry in ClinVar:

NM_006648.4(WNK2):c.3208C>G (p.Pro1070Ala)

Gene: WNK2 (WNK lysine deficient protein kinase 2; plus strand). Cytogenetic location: 9q22.31.
Variant type: single nucleotide variant.
Coding change: c.3208C>G on transcript NM_006648.4 (MANE Select); coding-DNA position 3208, C replaced by G.
Protein change: p.Pro1070Ala; replaces proline 1070 with alanine.
Molecular consequence: missense variant.
Genome position (GRCh38, 1-based): chr9:93,261,955, C>G. VCF-style: chr9-93261955-C-G. GRCh37 (hg19) VCF-style: chr9-96024237-C-G.
Other names: c.3208C>G, p.Pro1070Ala (NM_001282394.3); short protein forms P1070A.
Identifiers: ClinVar variation 4842145 (VCV004842145.1).

ClinVar aggregate classification (germline): Uncertain significance (1 of 4 stars; one submission).

Submission:

Ambry Genetics
Classification: Uncertain significance. Last evaluated: 2026-01-14. Review status: criteria provided, single submitter. Criteria: Ambry Variant Classification Scheme 2023. Collection method: clinical testing. Allele origin: germline.
Comment: The p.P1070A variant (also known as c.3208C>G), located in coding exon 12 of the WNK2 gene, results from a C to G substitution at nucleotide position 3208. The proline at codon 1070 is replaced by alanine, an amino acid with highly similar properties. This amino acid position is conserved. In addition, this alteration is predicted to be tolerated by in silico analysis. Based on the available evidence, the clinical significance of this variant remains unclear.